The following is an entry in ClinVar:

NM_002693.3(POLG):c.104C>A (p.Pro35His)

Genes: POLGARF (POLG alternative reading frame; minus strand), POLG (DNA polymerase gamma, catalytic subunit; minus strand). Cytogenetic location: 15q26.1.
Variant type: single nucleotide variant.
Coding change: c.104C>A on transcript NM_002693.3 (MANE Select); coding-DNA position 104, C replaced by A.
Protein change: p.Pro35His; replaces proline 35 with histidine.
Molecular consequence: missense variant. On other transcripts: synonymous variant (1).
Genome position (GRCh38, 1-based): chr15:89,333,651, G>T on the plus strand (C>A on the coding strand, the complement: POLG is on the minus strand). VCF-style: chr15-89333651-G-T. GRCh37 (hg19) VCF-style: chr15-89876882-G-T.
Other names: c.159C>A, p.Pro53= (NM_001430120.1); c.104C>A, p.Pro35His (NM_001126131.2); short protein forms P35H.
Identifiers: ClinVar variation 3620193 (VCV003620193.2).

ClinVar aggregate classification (germline): Uncertain significance (1 of 4 stars; one submission).

Conditions:
Progressive sclerosing poliodystrophy (MTDPS4A). Also called: ALPERS PROGRESSIVE INFANTILE POLIODYSTROPHY; NEURONAL DEGENERATION OF CHILDHOOD WITH LIVER DISEASE, PROGRESSIVE; Alpers Syndrome; ALPERS DIFFUSE DEGENERATION OF CEREBRAL GRAY MATTER WITH HEPATIC CIRRHOSIS; Alpers-Huttenlocher Syndrome; Mitochondrial DNA depletion syndrome 4A (Alpers type). Identifiers: Orphanet 726, MedGen C0205710, MONDO:0008758, OMIM 203700.

gnomAD v4.1: 3 of 1,581,486 alleles (0.00019%); highest among the groups gnomAD compares: Non-Finnish European, 0.00026%; no homozygotes.

Submission:

Labcorp Genetics (formerly Invitae), Labcorp
Classification: Uncertain significance for Progressive sclerosing poliodystrophy. Last evaluated: 2025-04-27. Review status: criteria provided, single submitter. Criteria: Invitae Variant Classification Sherloc (09022015). Collection method: clinical testing. Allele origin: germline.
Comment: This sequence change replaces proline, which is neutral and non-polar, with histidine, which is basic and polar, at codon 35 of the POLG protein (p.Pro35His). The frequency data for this variant in the population databases is considered unreliable, as metrics indicate poor data quality at this position in the gnomAD database. This variant has not been reported in the literature in individuals affected with POLG-related conditions. ClinVar contains an entry for this variant (Variation ID: 3620193). Invitae Evidence Modeling of protein sequence and biophysical properties (such as structural, functional, and spatial information, amino acid conservation, physicochemical variation, residue mobility, and thermodynamic stability) indicates that this missense variant is not expected to disrupt POLG protein function with a negative predictive value of 95%. In summary, the available evidence is currently insufficient to determine the role of this variant in disease. Therefore, it has been classified as a Variant of Uncertain Significance.